The following is an entry in ClinVar:

NM_020911.2(PLXNA4):c.1573C>A (p.Pro525Thr)

Gene: PLXNA4 (plexin A4; minus strand). Cytogenetic location: 7q32.3.
Variant type: single nucleotide variant.
Coding change: c.1573C>A on transcript NM_020911.2 (MANE Select); coding-DNA position 1573, C replaced by A.
Protein change: p.Pro525Thr; replaces proline 525 with threonine.
Molecular consequence: missense variant.
Genome position (GRCh38, 1-based): chr7:132,241,097, G>T on the plus strand (C>A on the coding strand, the complement: PLXNA4 is on the minus strand). VCF-style: chr7-132241097-G-T. GRCh37 (hg19) VCF-style: chr7-131925856-G-T.
Other names: c.1573C>A, p.Pro525Thr (NM_001393897.1); short protein forms P525T.
Identifiers: ClinVar variation 3034073 (VCV003034073.2), dbSNP rs2535743745, ClinGen allele CA369316327.

ClinVar aggregate classification (germline): Uncertain significance (0 of 4 stars; one submission).

Conditions:
PLXNA4-related disorder. Also called: PLXNA4-related condition.

Submission:

PreventionGenetics, part of Exact Sciences
Classification: Uncertain significance for PLXNA4-related condition. Last evaluated: 2024-02-09. Review status: no assertion criteria provided. Collection method: clinical testing. Allele origin: germline.
Comment: The PLXNA4 c.1573C>A variant is predicted to result in the amino acid substitution p.Pro525Thr. To our knowledge, this variant has not been reported in the literature or in a large population database, indicating this variant is rare. At this time, the clinical significance of this variant is uncertain due to the absence of conclusive functional and genetic evidence.